The following is an entry in ClinVar:

ClinVar aggregate classification (germline): Likely benign. Review status: criteria provided, multiple submitters, no conflicts (2 of 4 stars). 3 submissions from 3 submitters: Likely benign (3). Last evaluated 2026-02-01.

Conditions:
Dilated cardiomyopathy 1G (CMD1G). Identifiers: Orphanet 154, MedGen C1858763, MONDO:0011400, OMIM 604145.
Autosomal recessive limb-girdle muscular dystrophy type 2J (LGMDR10). Also called: MUSCULAR DYSTROPHY, LIMB-GIRDLE, AUTOSOMAL RECESSIVE 10; Limb-girdle muscular dystrophy, type 2J. Identifiers: Orphanet 140922, MedGen C1837342, MONDO:0012127, OMIM 608807.

Allele frequency attached by ClinVar (database versions not stated): gnomAD exomes 0.00001.
gnomAD v4.1: 13 of 1,613,792 alleles (0.00081%); highest among the groups gnomAD compares: Middle Eastern, 0.033%; no homozygotes.

Submissions (3):

CeGaT Center for Human Genetics Tuebingen
Classification: Likely benign. Last evaluated: 2026-02-01. Review status: criteria provided, single submitter. Criteria: CeGaT Center For Human Genetics Tuebingen Variant Classification Criteria Version 2. Collection method: clinical testing. Allele origin: germline. Affected: yes. Observed: 1 variant allele.
Comment: TTN: BP4, BP7

Athena Diagnostics
Classification: Likely benign. Last evaluated: 2025-10-07. Review status: criteria provided, single submitter. Criteria: Athena Diagnostics Criteria. Collection method: clinical testing. Allele origin: unknown.
Comment: Computational tools yielded predictions that this variant is unlikely to have an effect on normal RNA splicing. This nucleotide position exhibits low evolutionary conservation.

Labcorp Genetics (formerly Invitae), Labcorp
Classification: Likely benign for Dilated cardiomyopathy 1G; Autosomal recessive limb-girdle muscular dystrophy type 2J. Last evaluated: 2025-05-23. Review status: criteria provided, single submitter. Criteria: Invitae Variant Classification Sherloc (09022015). Collection method: clinical testing. Allele origin: germline.

NM_001267550.2(TTN):c.28713T>C (p.Asp9571=)

Gene: TTN (titin; minus strand). Cytogenetic location: 2q31.2.
Variant type: single nucleotide variant.
Coding change: c.28713T>C on transcript NM_001267550.2 (MANE Select); coding-DNA position 28713, T replaced by C.
Protein change: p.Asp9571=; no amino-acid change (aspartic acid 9571 retained).
Molecular consequence: synonymous variant. On other transcripts: intron variant (3).
Genome position (GRCh38, 1-based): chr2:178,709,606, A>G on the plus strand (T>C on the coding strand, the complement: TTN is on the minus strand). VCF-style: chr2-178709606-A-G. GRCh37 (hg19) VCF-style: chr2-179574333-A-G.
Other names: c.27762T>C, p.Asp9254= (NM_001256850.1); c.24981T>C, p.Asp8327= (NM_133378.4); c.13282+28476T>C (NM_003319.4); c.13858+28476T>C (NM_133437.4); c.13657+28476T>C (NM_133432.3); c.28713T>C (NM_001267550.1).
Identifiers: ClinVar variation 1559663 (VCV001559663.13), dbSNP rs796888116, ClinGen allele CA61003386.